The following is an entry in ClinVar:

ClinVar aggregate classification (germline): Uncertain significance. Review status: criteria provided, multiple submitters, no conflicts (2 of 4 stars). 3 submissions from 3 submitters: Uncertain significance (3). Last evaluated 2025-11-02.

Conditions:
Tuberous sclerosis 2 (TSC2). Identifiers: Orphanet 805, MedGen C1860707, MONDO:0013199, OMIM 613254.
Tuberous sclerosis syndrome (TSC). Also called: Tuberous sclerosis; Tuberous Sclerosis Complex. Identifiers: Orphanet 805, MedGen C0041341, MONDO:0001734.
Hereditary cancer-predisposing syndrome. Also called: Hereditary Cancer Syndrome; Hereditary neoplastic syndrome; Neoplastic Syndromes, Hereditary; Tumor predisposition. Identifiers: Orphanet 140162, MedGen C0027672, MeSH D009386, MONDO:0015356.

gnomAD v4.1: 1 of 1,613,756 alleles (0.000062%); highest among the groups gnomAD compares: Non-Finnish European, 0.000085%; no homozygotes.

Submissions (3):

Ambry Genetics
Classification: Uncertain significance for Hereditary cancer-predisposing syndrome. Last evaluated: 2025-11-02. Review status: criteria provided, single submitter. Criteria: Ambry Variant Classification Scheme 2023. Collection method: clinical testing. Allele origin: germline.
Comment: The p.H522Q variant (also known as c.1566C>G), located in coding exon 14 of the TSC2 gene, results from a C to G substitution at nucleotide position 1566. The histidine at codon 522 is replaced by glutamine, an amino acid with highly similar properties. This amino acid position is conserved. In addition, the in silico prediction for this alteration is inconclusive. Based on the available evidence, the clinical significance of this variant remains unclear.

All of Us Research Program, National Institutes of Health
Classification: Uncertain significance for Tuberous sclerosis syndrome. Last evaluated: 2024-08-06. Review status: criteria provided, single submitter. Criteria: ACMG Guidelines, 2015. Collection method: clinical testing. Allele origin: germline. Inheritance: Autosomal dominant inheritance. Observed: 1 variant allele, 1 heterozygote.
Comment: This study involves interpretation of variants in research participants for the purpose of population health screening. Participant phenotype was not available at the time of variant classification. Additional details can be found in publication PMID: 35346344, PMCID: PMC8962531

Labcorp Genetics (formerly Invitae), Labcorp
Classification: Uncertain significance for Tuberous sclerosis 2. Last evaluated: 2022-11-09. Review status: criteria provided, single submitter. Criteria: Invitae Variant Classification Sherloc (09022015). Collection method: clinical testing. Allele origin: germline.
Comment: In summary, the available evidence is currently insufficient to determine the role of this variant in disease. Therefore, it has been classified as a Variant of Uncertain Significance. Advanced modeling of protein sequence and biophysical properties (such as structural, functional, and spatial information, amino acid conservation, physicochemical variation, residue mobility, and thermodynamic stability) performed at Invitae indicates that this missense variant is not expected to disrupt TSC2 protein function. This variant has not been reported in the literature in individuals affected with TSC2-related conditions. This variant is not present in population databases (gnomAD no frequency). This sequence change replaces histidine, which is basic and polar, with glutamine, which is neutral and polar, at codon 522 of the TSC2 protein (p.His522Gln).

NM_000548.5(TSC2):c.1566C>G (p.His522Gln)

Gene: TSC2 (TSC complex subunit 2; plus strand). Cytogenetic location: 16p13.3.
Variant type: single nucleotide variant.
Coding change: c.1566C>G on transcript NM_000548.5 (MANE Select); coding-DNA position 1566, C replaced by G.
Protein change: p.His522Gln; replaces histidine 522 with glutamine.
Molecular consequence: missense variant. On other transcripts: 5 prime UTR variant (1), non-coding transcript variant (5).
Genome position (GRCh38, 1-based): chr16:2,064,394, C>G. VCF-style: chr16-2064394-C-G. GRCh37 (hg19) VCF-style: chr16-2114395-C-G.
Other names: c.966C>G, p.His322Gln (NM_001406680.1, NM_001406682.1, NM_001406683.1 and 6 more transcripts); c.1104C>G, p.His368Gln (NM_001406681.1); c.222C>G, p.His74Gln (NM_001406689.1, NM_001406690.1, NM_001406691.1 and 6 more transcripts); c.1566C>G, p.His522Gln (NM_001077183.3, NM_001114382.3, NM_001363528.2 and 6 more transcripts); c.1455C>G, p.His485Gln (NM_001318827.2, NM_001406670.1, NM_001406678.1); c.1419C>G, p.His473Gln (NM_001318829.2, NM_001406675.1, NM_001406676.1 and 1 more transcripts); c.1599C>G, p.His533Gln (NM_001318832.2); c.1656C>G, p.His552Gln (NM_001406667.1, NM_001406668.1); and 3 more; short protein forms H368Q, H533Q, H552Q, H74Q, H473Q, H518Q, H322Q, H485Q.
Identifiers: ClinVar variation 2813045 (VCV002813045.5), dbSNP rs876659982, ClinGen allele CA394326588.